The following is an entry in ClinVar:

ClinVar aggregate classification (germline): Uncertain significance. Review status: criteria provided, multiple submitters, no conflicts (2 of 4 stars). 4 submissions from 4 submitters: Uncertain significance (4). Last evaluated 2025-11-18.

Conditions:
Lipase deficiency, combined. Also called: LIPOPROTEIN LIPASE DEFICIENCY WITH HEPATIC TRIGLYCERIDE LIPASE DEFICIENCY; LPL AND HL DEFICIENCY; LPL AND HTGL DEFICIENCY. Identifiers: Orphanet 535453, MedGen C1855498, MONDO:0009527, OMIM 246650.
Cardiovascular phenotype. Identifiers: MedGen CN230736.

gnomAD v4.1: 20 of 1,553,820 alleles (0.0013%); highest among the groups gnomAD compares: East Asian, 0.022%; no homozygotes.

Submissions (4):

Ambry Genetics
Classification: Uncertain significance for Cardiovascular phenotype. Last evaluated: 2025-11-18. Review status: criteria provided, single submitter. Criteria: Ambry Variant Classification Scheme 2023. Collection method: clinical testing. Allele origin: germline.
Comment: The p.G228V variant (also known as c.683G>T), located in coding exon 5 of the LMF1 gene, results from a G to T substitution at nucleotide position 683. The glycine at codon 228 is replaced by valine, an amino acid with dissimilar properties. This variant has been detected in the heterozygous state in an individual from a severe hypertriglyceridemia cohort. Functional studies from the same group indicated that this variant was associated with LPL activity similar to wild type (Serveaux Dancer M et al. J Clin Lipidol, 2018 Jul;12:1244-1252). This amino acid position is highly conserved in available vertebrate species. In addition, the in silico prediction for this alteration is inconclusive. Since supporting evidence is limited at this time, the clinical significance of this alteration remains unclear.

Blueprint Genetics
Classification: Uncertain significance. Last evaluated: 2024-04-08. Review status: criteria provided, single submitter. Criteria: ACMG Guidelines, 2015. Collection method: clinical testing. Allele origin: germline.

Labcorp Genetics (formerly Invitae), Labcorp
Classification: Uncertain significance. Last evaluated: 2022-06-29. Review status: criteria provided, single submitter. Criteria: Invitae Variant Classification Sherloc (09022015). Collection method: clinical testing. Allele origin: germline.
Comment: In summary, the available evidence is currently insufficient to determine the role of this variant in disease. Therefore, it has been classified as a Variant of Uncertain Significance. Algorithms developed to predict the effect of missense changes on protein structure and function are either unavailable or do not agree on the potential impact of this missense change (SIFT: "Tolerated"; PolyPhen-2: "Probably Damaging"; Align-GVGD: "Class C0"). This missense change has been observed in individual(s) with severe hypertriglyceridemia (PMID: 30337590). The frequency data for this variant in the population databases is considered unreliable, as metrics indicate poor data quality at this position in the gnomAD database. This sequence change replaces glycine, which is neutral and non-polar, with valine, which is neutral and non-polar, at codon 228 of the LMF1 protein (p.Gly228Val).

New York Genome Center
Classification: Uncertain significance for Lipase deficiency, combined. Last evaluated: 2021-10-01. Review status: criteria provided, single submitter. Criteria: NYGC Assertion Criteria 2020. Collection method: clinical testing. Allele origin: germline. Observed: 1 heterozygote.

Literature cited by the submitters: PubMed 30037590 (cited by Ambry Genetics); PubMed 30337590 (cited by Labcorp Genetics (formerly Invitae), Labcorp).

NM_022773.4(LMF1):c.683G>T (p.Gly228Val)

Gene: LMF1 (lipase maturation factor 1; minus strand). Cytogenetic location: 16p13.3.
Variant type: single nucleotide variant.
Coding change: c.683G>T on transcript NM_022773.4 (MANE Select); coding-DNA position 683, G replaced by T.
Protein change: p.Gly228Val; replaces glycine 228 with valine.
Molecular consequence: missense variant. On other transcripts: non-coding transcript variant (1).
Genome position (GRCh38, 1-based): chr16:893,053, C>A on the plus strand (G>T on the coding strand, the complement: LMF1 is on the minus strand). VCF-style: chr16-893053-C-A. GRCh37 (hg19) VCF-style: chr16-943053-C-A.
Other names: c.32G>T, p.Gly11Val (NM_001352017.2, NM_001352021.2); c.284G>T, p.Gly95Val (NM_001352018.2); c.356G>T, p.Gly119Val (NM_001352019.2); c.683G>T, p.Gly228Val (NM_001352020.1); c.683G>T (NM_022773.2); short protein forms G119V, G11V, G228V, G95V.
Identifiers: ClinVar variation 1803868 (VCV001803868.7), dbSNP rs754772870, ClinGen allele CA276541916.